The following is an entry in ClinVar:

ClinVar aggregate classification (germline): Conflicting classifications of pathogenicity. Review status: criteria provided, conflicting classifications (1 of 4 stars). 11 submissions from 11 submitters: Uncertain significance (2); Benign (2); Likely benign (6). 1 of the submissions does not count toward it. Last evaluated 2025-08-07.

Conditions:
TTN-related disorder. Also called: TTN-related condition; TTN-related disease; TTN-related disorders.
Skeletal dysplasia. Also called: Primary bone dysplasia. Identifiers: Orphanet 364526, MedGen C0410528, MONDO:0018230, HP:0002652.
Arrhythmogenic right ventricular cardiomyopathy (ARVD). Also called: Arrhythmogenic cardiomyopathy; Arrhythmogenic Right Ventricular Cardiomyopathy (ARVC); Cardiomyopathy, ARVC; Arrhythmogenic right ventricular dysplasia. Identifiers: Orphanet 247, MedGen C0349788, MeSH D019571, MONDO:0016587. Disease mechanism: loss of function. Inheritance: Various modes of inheritance.
Cardiomyopathy (CMYO). Also called: Cardiomyopathies. Identifiers: Orphanet 167848, MedGen C0878544, MONDO:0004994, HP:0001638. Inheritance: Various modes of inheritance.

Allele frequency attached by ClinVar (database versions not stated): ExAC 0.00034; gnomAD 0.00039 and 0.00043; gnomAD exomes 0.00040 and 0.00076; TOPMed 0.00051; 1000 Genomes Project 0.00080; ESP Exome Variant Server 0.00083; 1000 Genomes Project 30x 0.00094.
gnomAD v4.1: 1,150 of 1,613,236 alleles (0.071%); highest among the groups gnomAD compares: Non-Finnish European, 0.09%; 1 homozygote.

Submissions (11):

PreventionGenetics, part of Exact Sciences
Classification: Likely benign for TTN-related condition. Last evaluated: 2025-08-07. Review status: criteria provided, single submitter. Criteria: ACMG Guidelines, 2015. Collection method: clinical testing. Allele origin: germline.
Comment: This variant is classified as likely benign based on ACMG/AMP sequence variant interpretation guidelines (Richards et al. 2015 PMID: 25741868, with internal and published modifications).

Molecular Diagnostic Laboratory for Inherited Cardiovascular Disease, Montreal Heart Institute
Classification: Likely benign. Last evaluated: 2025-04-09. Review status: criteria provided, single submitter. Criteria: ACMG Guidelines, 2015. Collection method: clinical testing. Allele origin: germline. Affected: no.

Blueprint Genetics
Classification: Likely benign. Last evaluated: 2024-10-16. Review status: criteria provided, single submitter. Criteria: ACMG Guidelines, 2015. Collection method: clinical testing. Allele origin: germline.

Revvity Omics, Revvity
Classification: Likely benign. Last evaluated: 2023-10-05. Review status: criteria provided, single submitter. Criteria: ACMG Guidelines, 2015. Collection method: clinical testing. Allele origin: germline.

CHEO Genetics Diagnostic Laboratory, Children's Hospital of Eastern Ontario
Classification: Benign for Cardiomyopathy. Last evaluated: 2023-05-16. Review status: criteria provided, single submitter. Criteria: ACMG Guidelines, 2015. Collection method: clinical testing. Allele origin: germline.

CeGaT Center for Human Genetics Tuebingen
Classification: Uncertain significance. Last evaluated: 2021-12-01. Review status: criteria provided, single submitter. Criteria: CeGaT Center For Human Genetics Tuebingen Variant Classification Criteria Version 2. Collection method: clinical testing. Allele origin: germline. Affected: yes. Observed: 1 variant allele.

Cambridge Genomics Laboratory, East Genomic Laboratory Hub, NHS Genomic Medicine Service
Classification: Benign for Skeletal dysplasia. Last evaluated: 2020-02-05. Review status: criteria provided, single submitter. Criteria: ACGS Best Practice Guidelines for Variant Classification in Rare Disease 2020. Collection method: clinical testing. Allele origin: germline. Affected: yes. Observed: 1 variant allele.

Center for Advanced Laboratory Medicine, UC San Diego Health, University of California San Diego
Classification: Likely benign for Arrhythmogenic right ventricular cardiomyopathy. Last evaluated: 2019-04-09. Review status: criteria provided, single submitter. Criteria: ACMG Guidelines, 2015. Collection method: clinical testing. Allele origin: germline. Affected: yes. Observed: 2 variant alleles.

Eurofins Ntd Llc (ga)
Classification: Uncertain significance. Last evaluated: 2018-01-19. Review status: criteria provided, single submitter. Criteria: EGL Classification Definitions 2015. Collection method: clinical testing. Allele origin: germline. Observed: 4 variant alleles, 4 heterozygotes.

Biesecker Lab/Clinical Genomics Section, National Institutes of Health
Classification: Likely benign. Last evaluated: 2013-06-24. Review status: criteria provided, single submitter. Criteria: Ng et al. (Circ Cardiovasc Genet. 2013). Collection method: research. Allele origin: unknown. Observed: 2 variant alleles. Study: ClinSeq.
Comment: The study set was not selected for affection status in relation to any cancer. Pathogenicity categories were based on literature curation. See Pubmed ID:23861362 for details.

Medical sequencing

GeneDx
No classification provided. Last evaluated: 2013-09-27. Review status: no classification provided. Criteria: GeneDx Variant Classification (06012015). Collection method: clinical testing. Allele origin: germline. Affected: yes. Not counted in ClinVar's aggregate classification.
Comment: Missense variants in the TTN gene are considered 'unclassified' if they are not previously reported in the literature and do not have >1% frequency in the population to be considered a polymorphism. Research indicates that truncating mutations in the TTN gene are expected to account for approximately 25% of familial and 18% of sporadic idiopathic DCM; however, truncating variants in the TTN gene have been reported in approximately 3% of reported control alleles. There has been little investigation into non-truncating variants. (Herman D et al. Truncations of titin causing dilated cardiomyopathy. N Eng J Med 366:619-628, 2012) The variant is found in DCM panel(s).

NM_001267550.2(TTN):c.53122A>G (p.Lys17708Glu)

Genes: TTN (titin; minus strand), TTN-AS1 (TTN antisense RNA 1; plus strand), LOC126806425 (BRD4-independent group 4 enhancer GRCh37_chr2:179471933-179473132; plus strand). Cytogenetic location: 2q31.2.
Variant type: single nucleotide variant.
Coding change: c.53122A>G on transcript NM_001267550.2 (MANE Select); coding-DNA position 53122, A replaced by G.
Protein change: p.Lys17708Glu; replaces lysine 17708 with glutamic acid.
Molecular consequence: missense variant.
Genome position (GRCh38, 1-based): chr2:178,607,566, T>C on the plus strand (A>G on the coding strand, the complement: TTN is on the minus strand). VCF-style: chr2-178607566-T-C. GRCh37 (hg19) VCF-style: chr2-179472293-T-C.
Other names: p.K16067E:AAA>GAA; c.48199A>G, p.Lys16067Glu (NM_001256850.1); c.25927A>G, p.Lys8643Glu (NM_003319.4); c.45418A>G, p.Lys15140Glu (NM_133378.4); c.26302A>G, p.Lys8768Glu (NM_133432.3); c.26503A>G, p.Lys8835Glu (NM_133437.4); short protein forms K15140E, K17708E, K16067E, K8835E, K8768E, K8643E.
Identifiers: ClinVar variation 192165 (VCV000192165.48), dbSNP rs185913848, ClinGen allele CA302626.
Genomic context (GRCh38, chr2:178,607,566, plus strand): 5'-CAGATTTGGTTCCAACGTTGTCTATTACAACACGGTCTTTATCCAGCTCCCCTTCTTCTT[T>C]GGTCCATACTTTTGTAGGTACAGGGCGACCAGTCACCACAGCTGGAATTCTAAGAGTCTT-3'
Protein context (NP_001254479.2, residues 17698-17718): GRPVPTKVWT[Lys17708Glu]EEGELDKDRV